The following is an entry in ClinVar:

ClinVar aggregate classification (germline): Conflicting classifications of pathogenicity. Review status: criteria provided, conflicting classifications (1 of 4 stars). 2 submissions from 2 submitters: Uncertain significance (1); Likely benign (1). Last evaluated 2023-02-24.

Conditions:
Familial isolated arrhythmogenic right ventricular dysplasia. Identifiers: Orphanet 217656, MedGen C4274968, MONDO:0016342.
Arrhythmogenic right ventricular dysplasia 11. Also called: Arrhythmogenic Right Ventricular Dysplasia/Cardiomyopathy11; ARRHYTHMOGENIC RIGHT VENTRICULAR DYSPLASIA, FAMILIAL, 11; Arrhythmogenic right ventricular dysplasia 11 with mild palmoplantar keratoderma and woolly hair. Identifiers: MedGen C1864850, MONDO:0012506, OMIM 610476.

Allele frequency attached by ClinVar (database versions not stated): TOPMed below 0.00001; ExAC 0.00001.
gnomAD v4.1: 2 of 1,613,658 alleles (0.00012%); highest among the groups gnomAD compares: Non-Finnish European, 0.00017%; no homozygotes.

Submissions (2):

All of Us Research Program, National Institutes of Health
Classification: Uncertain significance for Familial isolated arrhythmogenic right ventricular dysplasia. Last evaluated: 2023-02-24. Review status: criteria provided, single submitter. Criteria: ACMG Guidelines, 2015. Collection method: clinical testing. Allele origin: germline. Inheritance: Autosomal dominant inheritance. Observed: 1 variant allele, 1 heterozygote.
Comment: This variant causes an A to C nucleotide substitution at the -10 position of intron 3 of the DSC2 gene. To our knowledge, functional studies have not been reported for this variant. This variant has not been reported in individuals affected with DSC2-related disorders in the literature. This variant has been identified in 1/250528 chromosomes in the general population by the Genome Aggregation Database (gnomAD). The available evidence is insufficient to determine the role of this variant in disease conclusively. Therefore, this variant is classified as a Variant of Uncertain Significance.

This study involves interpretation of variants in research participants for the purpose of population health screening. Participant phenotype was not available at the time of variant classification. Additional details can be found in publication PMID: 35346344, PMCID: PMC8962531

Labcorp Genetics (formerly Invitae), Labcorp
Classification: Likely benign for Arrhythmogenic right ventricular dysplasia 11. Last evaluated: 2022-10-05. Review status: criteria provided, single submitter. Criteria: Invitae Variant Classification Sherloc (09022015). Collection method: clinical testing. Allele origin: germline.

NM_024422.6(DSC2):c.355-10A>C

Gene: DSC2 (desmocollin 2; minus strand). Cytogenetic location: 18q12.1.
Variant type: single nucleotide variant.
Coding change: c.355-10A>C on transcript NM_024422.6 (MANE Select); 10 bases into the intron before coding-DNA position 355, A replaced by C.
Molecular consequence: intron variant.
Genome position (GRCh38, 1-based): chr18:31,091,157, T>G on the plus strand (A>C on the coding strand, the complement: DSC2 is on the minus strand). VCF-style: chr18-31091157-T-G. GRCh37 (hg19) VCF-style: chr18-28671120-T-G.
Other names: c.355-10A>C (NM_004949.5).
Identifiers: ClinVar variation 1975441 (VCV001975441.6), dbSNP rs767632593, ClinGen allele CA038051.
Genomic context (GRCh38, chr18:31,091,157, plus strand): 5'-TCTCTTGGCGCGCCTTAGAACTTTTTCTTTAGTATGTCTTTTCTTTAGGACCTCAATTCA[T>G]AAGACAGGAAAAAATAATAAAGTCAATGACTACTTTATTCTCAAACATTAAACAATGACA-3'